The following is an entry in ClinVar:

NC_000012.11:g.(6140745_6143853)_6155933dup

Gene: VWF (von Willebrand factor; minus strand). Cytogenetic location: 12p13.31.
Variant type: Duplication.
Identifiers: ClinVar variation 4688316 (VCV004688316.1).

ClinVar aggregate classification (germline): Uncertain significance (1 of 4 stars; one submission).

Submission:

Women's Health and Genetics/Laboratory Corporation of America, LabCorp
Classification: Uncertain significance. Last evaluated: 2025-12-15. Review status: criteria provided, single submitter. Criteria: LabCorp Variant Classification Summary - May 2015. Collection method: clinical testing. Allele origin: germline.
Comment: Variant summary: The variant involves the duplication of exons 17-20 in the VWF gene. A presumed nomenclature of c.2237_(2685+1_2686-1)dup has been designated for the purposes of this classification. It is assumed to be a tandem duplication in direct orientation (PMIDs: 25640679, 30054569). This Copy Number Variant (CNV) involves a partial duplication of exon 17. This CNV spans a canonical splice-site and its impact on the encoded protein is unknown.The variant was absent in 21694 control chromosomes. The available data on variant occurrences in the general population are insufficient to allow any conclusion about variant significance. To our knowledge, no occurrence of c.2237_(2685+1_2686-1)dup in individuals affected with VWF-related conditions and no experimental evidence demonstrating its impact on protein function have been reported. No submitters have cited clinical-significance assessments for this variant to ClinVar. Based on the evidence outlined above, the variant was classified as uncertain significance.